The following is an entry in ClinVar:

NM_000548.5(TSC2):c.2457del (p.Ile820fs)

Gene: TSC2 (TSC complex subunit 2; plus strand). Cytogenetic location: 16p13.3.
Variant type: Deletion.
Coding change: c.2457del on transcript NM_000548.5 (MANE Select); coding-DNA position 2457, one base deleted (C; older notation c.2457delC).
Protein change: p.Ile820fs; shifts the reading frame from isoleucine 820.
Molecular consequence: frameshift variant. On other transcripts: non-coding transcript variant (5).
Genome position (GRCh38, 1-based): chr16:2,074,301, C deleted. VCF-style (leftmost placement, unchanged base first): chr16-2074300-TC-T. GRCh37 (hg19) VCF-style: chr16-2124301-TC-T.
Other names: c.2310del, p.Ile771fs (NM_001406679.1, NM_001318829.2, NM_001406675.1 and 1 more transcripts); c.1857del, p.Ile620fs (NM_001406680.1, NM_001406682.1, NM_001406683.1 and 6 more transcripts); c.1995del, p.Ile666fs (NM_001406681.1); c.1113del, p.Ile372fs (NM_001406689.1, NM_001406690.1, NM_001406691.1 and 6 more transcripts); c.855del, p.Ile286fs (NM_001406698.1); c.2457del, p.Ile820fs (NM_021055.3, NM_001363528.2, NM_001370404.1 and 6 more transcripts); c.2346del, p.Ile783fs (NM_001318827.2, NM_001406670.1, NM_001406678.1); c.2490del, p.Ile831fs (NM_001318832.2); and 3 more; short protein forms I666fs, I286fs, I783fs, I820fs, I372fs, I771fs, I620fs, I801fs.
Identifiers: ClinVar variation 4750341 (VCV004750341.1).

ClinVar aggregate classification (germline): Pathogenic (1 of 4 stars; one submission).

Conditions:
Tuberous sclerosis 2 (TSC2). Identifiers: Orphanet 805, MedGen C1860707, MONDO:0013199, OMIM 613254.

Submission:

Labcorp Genetics (formerly Invitae), Labcorp
Classification: Pathogenic for Tuberous sclerosis 2. Last evaluated: 2025-08-14. Review status: criteria provided, single submitter. Criteria: Invitae Variant Classification Sherloc (09022015). Collection method: clinical testing. Allele origin: germline.
Comment: This sequence change creates a premature translational stop signal (p.Ile820Serfs*9) in the TSC2 gene. It is expected to result in an absent or disrupted protein product. Loss-of-function variants in TSC2 are known to be pathogenic (PMID: 10205261, 17304050). This variant is not present in population databases (gnomAD no frequency). This variant has not been reported in the literature in individuals affected with TSC2-related conditions. For these reasons, this variant has been classified as Pathogenic.

Literature cited by the submitters: PubMed 10205261; PubMed 17304050.